The following is an entry in ClinVar:

ClinVar aggregate classification (germline): Likely benign. Review status: criteria provided, single submitter (1 of 4 stars). 2 submissions from 2 submitters: Likely benign (1). 1 of the submissions does not count toward it. Last evaluated 2026-01-12.

Conditions:
KANSL1-related disorder. Also called: KANSL1-related condition.
Koolen-de Vries syndrome (KDVS). Identifiers: Orphanet 96169, MedGen C1864871, MONDO:0012496, OMIM 610443.

Allele frequency attached by ClinVar (database versions not stated): gnomAD exomes 0.00002 and 0.00003; TOPMed 0.00003; ExAC 0.00004; gnomAD 0.00005; 1000 Genomes Project 30x 0.00016; 1000 Genomes Project 0.00020.
gnomAD v4.1: 40 of 1,614,182 alleles (0.0025%); highest among the groups gnomAD compares: Admixed American, 0.0033%; no homozygotes.

Submissions (2):

Labcorp Genetics (formerly Invitae), Labcorp
Classification: Likely benign for Koolen-de Vries syndrome. Last evaluated: 2026-01-12. Review status: criteria provided, single submitter. Criteria: Invitae Variant Classification Sherloc (09022015). Collection method: clinical testing. Allele origin: germline.

PreventionGenetics, part of Exact Sciences
Classification: Likely benign for KANSL1-related condition. Last evaluated: 2024-02-22. Review status: no assertion criteria provided. Collection method: clinical testing. Allele origin: germline. Not counted in ClinVar's aggregate classification.
Comment: This variant is classified as likely benign based on ACMG/AMP sequence variant interpretation guidelines (Richards et al. 2015 PMID: 25741868, with internal and published modifications).

NM_015443.4(KANSL1):c.2135C>T (p.Pro712Leu)

Gene: KANSL1 (KAT8 regulatory NSL complex subunit 1). Cytogenetic location: 17q21.31.
Variant type: single nucleotide variant.
Coding change: c.2135C>T on transcript NM_015443.4 (MANE Select); coding-DNA position 2135, C replaced by T.
Protein change: p.Pro712Leu; replaces proline 712 with leucine.
Molecular consequence: missense variant.
Genome position (GRCh38, 1-based): chr17:46,039,770, G>A on the plus strand (C>T on the coding strand, the complement: KANSL1 is on the minus strand). VCF-style: chr17-46039770-G-A. GRCh37 (hg19) VCF-style: chr17-44117136-G-A.
Other names: c.2135C>T, p.Pro712Leu (NM_001193465.2, NM_001193466.2, NM_001379198.1); short protein forms P712L.
Identifiers: ClinVar variation 536294 (VCV000536294.9), dbSNP rs549189483, ClinGen allele CA8618649.
Genomic context (GRCh38, chr17:46,039,770, plus strand): 5'-GTTAGGAAGGAGCTGACCAATTTGTGCCTGTCCTTACGAGCTGAATCTGGCAGACTGCCC[G>A]GCATGGGTGCTCTGTGCTTAAGCGATAACTTTTTGGGAGGTTTGATTTTGTCAAAAGGCT-3'
Protein context (NP_056258.1, residues 702-722): KLSLKHRAPM[Pro712Leu]GSLPDSARKD